The following is an entry in ClinVar:

ClinVar aggregate classification (germline): Uncertain significance (1 of 4 stars; one submission).

Allele frequency attached by ClinVar (database versions not stated): gnomAD exomes 0.00001; gnomAD 0.00003; TOPMed 0.00005; ExAC 0.00011.
gnomAD v4.1: 14 of 1,601,308 alleles (0.00087%); highest among the groups gnomAD compares: East Asian, 0.029%; no homozygotes.

Submission:

Labcorp Genetics (formerly Invitae), Labcorp
Classification: Uncertain significance. Last evaluated: 2022-06-10. Review status: criteria provided, single submitter. Criteria: Invitae Variant Classification Sherloc (09022015). Collection method: clinical testing. Allele origin: germline.
Comment: This sequence change falls in intron 11 of the PLOD3 gene. It does not directly change the encoded amino acid sequence of the PLOD3 protein. The frequency data for this variant in the population databases is considered unreliable, as metrics indicate poor data quality at this position in the gnomAD database. This variant has not been reported in the literature in individuals affected with PLOD3-related conditions. Algorithms developed to predict the effect of sequence changes on RNA splicing suggest that this variant may disrupt the consensus splice site. In summary, the available evidence is currently insufficient to determine the role of this variant in disease. Therefore, it has been classified as a Variant of Uncertain Significance.

NM_001084.5(PLOD3):c.1233-9T>A

Gene: PLOD3 (procollagen-lysine,2-oxoglutarate 5-dioxygenase 3; minus strand). Cytogenetic location: 7q22.1.
Variant type: single nucleotide variant.
Coding change: c.1233-9T>A on transcript NM_001084.5 (MANE Select); 9 bases into the intron before coding-DNA position 1233, T replaced by A.
Molecular consequence: intron variant.
Genome position (GRCh38, 1-based): chr7:101,211,725, A>T on the plus strand (T>A on the coding strand, the complement: PLOD3 is on the minus strand). VCF-style: chr7-101211725-A-T. GRCh37 (hg19) VCF-style: chr7-100855006-A-T.
Identifiers: ClinVar variation 2418327 (VCV002418327.3), dbSNP rs759277092, ClinGen allele CA4407768.